The following is an entry in ClinVar:

NM_020831.6(MRTFA):c.1777C>T (p.Pro593Ser)

Gene: MRTFA (myocardin related transcription factor A; minus strand). Cytogenetic location: 22q13.1.
Variant type: single nucleotide variant.
Coding change: c.1777C>T on transcript NM_020831.6 (MANE Select); coding-DNA position 1777, C replaced by T.
Protein change: p.Pro593Ser; replaces proline 593 with serine.
Molecular consequence: missense variant.
Genome position (GRCh38, 1-based): chr22:40,418,961, G>A on the plus strand (C>T on the coding strand, the complement: MRTFA is on the minus strand). VCF-style: chr22-40418961-G-A. GRCh37 (hg19) VCF-style: chr22-40814965-G-A.
Other names: c.1477C>T, p.Pro493Ser (NM_001282660.2); c.1627C>T, p.Pro543Ser (NM_001282661.3); c.1777C>T, p.Pro593Ser (NM_001282662.3); c.1582C>T, p.Pro528Ser (NM_001318139.2); c.1477C>T (NM_020831.3); short protein forms P493S, P528S, P543S, P593S.
Identifiers: ClinVar variation 1683043 (VCV001683043.8), dbSNP rs200565523, ClinGen allele CA10249560.
Genomic context (GRCh38, chr22:40,418,961, plus strand): 5'-CAGGGCTCAGGCAACAGGACCCGGCCCGGGGGCCCTCCTCCTTCACGAGGATCTGCAGTG[G>A]CGAGGCCTGCAGGGTCAGCTGCGTCAGAGGTGATGTCACCATCTCACCAAAGGTGTCCCC-3'
Protein context (NP_065882.2, residues 583-603): PLTQLTLQAS[Pro593Ser]LQILVKEEGP

ClinVar aggregate classification (germline): Uncertain significance. Review status: criteria provided, multiple submitters, no conflicts (2 of 4 stars). 3 submissions from 3 submitters: Uncertain significance (3). Last evaluated 2025-04-09.

gnomAD v4.1: 24 of 1,612,912 alleles (0.0015%); highest among the groups gnomAD compares: Admixed American, 0.0017%; no homozygotes.

Submissions (3):

Ambry Genetics
Classification: Uncertain significance. Last evaluated: 2025-04-09. Review status: criteria provided, single submitter. Criteria: Ambry Variant Classification Scheme 2023. Collection method: clinical testing. Allele origin: germline.

Labcorp Genetics (formerly Invitae), Labcorp
Classification: Uncertain significance. Last evaluated: 2024-03-27. Review status: criteria provided, single submitter. Criteria: Invitae Variant Classification Sherloc (09022015). Collection method: clinical testing. Allele origin: germline.
Comment: This sequence change replaces proline, which is neutral and non-polar, with serine, which is neutral and polar, at codon 493 of the MKL1 protein (p.Pro493Ser). This variant is present in population databases (rs200565523, gnomAD 0.003%). This variant has not been reported in the literature in individuals affected with MKL1-related conditions. ClinVar contains an entry for this variant (Variation ID: 1683043). An algorithm developed to predict the effect of missense changes on protein structure and function (PolyPhen-2) suggests that this variant is likely to be disruptive. In summary, the available evidence is currently insufficient to determine the role of this variant in disease. Therefore, it has been classified as a Variant of Uncertain Significance.

Breakthrough Genomics
Classification: Uncertain significance. Review status: criteria provided, single submitter. Criteria: ACMG Guidelines, 2015. Collection method: not provided. Allele origin: germline. Inheritance: Autosomal dominant inheritance. Affected: yes.